The following is an entry in ClinVar:

NM_014363.6(SACS):c.4951C>T (p.Gln1651Ter)

Gene: SACS (sacsin molecular chaperone; minus strand). Cytogenetic location: 13q12.12.
Variant type: single nucleotide variant.
Coding change: c.4951C>T on transcript NM_014363.6 (MANE Select); coding-DNA position 4951, C replaced by T.
Protein change: p.Gln1651Ter; replaces glutamine 1651 with a stop codon.
Molecular consequence: nonsense.
Genome position (GRCh38, 1-based): chr13:23,338,925, G>A on the plus strand (C>T on the coding strand, the complement: SACS is on the minus strand). VCF-style: chr13-23338925-G-A. GRCh37 (hg19) VCF-style: chr13-23913064-G-A.
Other names: c.4510C>T, p.Gln1504Ter (NM_001278055.2); short protein forms Q1651*, Q1504*.
Identifiers: ClinVar variation 1453880 (VCV001453880.8), dbSNP rs2137623007, ClinGen allele CA387527038.

ClinVar aggregate classification (germline): Pathogenic (1 of 4 stars; one submission).

Conditions:
Spastic paraplegia. Identifiers: MedGen C0037772, HP:0001258.

Submission:

Labcorp Genetics (formerly Invitae), Labcorp
Classification: Pathogenic for Spastic paraplegia. Last evaluated: 2021-04-03. Review status: criteria provided, single submitter. Criteria: Invitae Variant Classification Sherloc (09022015). Collection method: clinical testing. Allele origin: germline.
Comment: For these reasons, this variant has been classified as Pathogenic. This variant disrupts the C-terminus of the SACS protein. Other variants that disrupt this region (p.Tyr4538*) have been determined to be pathogenic (Invitae). This suggests that variants that disrupt this region of the protein are likely to be causative of disease. This variant has not been reported in the literature in individuals with SACS-related conditions. This variant is not present in population databases (ExAC no frequency). This sequence change creates a premature translational stop signal (p.Gln1651*) in the SACS gene. While this is not anticipated to result in nonsense mediated decay, it is expected to disrupt the last 2929 amino acid(s) of the SACS protein.